The following is an entry in ClinVar:

ClinVar aggregate classification (germline): Uncertain significance. Review status: criteria provided, multiple submitters, no conflicts (2 of 4 stars). 2 submissions from 2 submitters: Uncertain significance (2). Last evaluated 2025-03-17.

gnomAD v4.1: 9 of 1,613,988 alleles (0.00056%); highest among the groups gnomAD compares: Non-Finnish European, 0.00068%; no homozygotes.

Submissions (2):

Labcorp Genetics (formerly Invitae), Labcorp
Classification: Uncertain significance. Last evaluated: 2025-03-17. Review status: criteria provided, single submitter. Criteria: Invitae Variant Classification Sherloc (09022015). Collection method: clinical testing. Allele origin: germline.
Comment: This sequence change replaces threonine, which is neutral and polar, with arginine, which is basic and polar, at codon 900 of the CNGB1 protein (p.Thr900Arg). This variant is not present in population databases (gnomAD no frequency). This variant has not been reported in the literature in individuals affected with CNGB1-related conditions. Invitae Evidence Modeling of protein sequence and biophysical properties (such as structural, functional, and spatial information, amino acid conservation, physicochemical variation, residue mobility, and thermodynamic stability) indicates that this missense variant is expected to disrupt CNGB1 protein function with a positive predictive value of 80%. In summary, the available evidence is currently insufficient to determine the role of this variant in disease. Therefore, it has been classified as a Variant of Uncertain Significance.

Blueprint Genetics
Classification: Uncertain significance. Last evaluated: 2017-09-20. Review status: criteria provided, single submitter. Criteria: ACMG Guidelines, 2015. Collection method: clinical testing. Allele origin: germline.

NM_001297.5(CNGB1):c.2699C>G (p.Thr900Arg)

Gene: CNGB1 (cyclic nucleotide gated channel subunit beta 1; minus strand). Cytogenetic location: 16q21.
Variant type: single nucleotide variant.
Coding change: c.2699C>G on transcript NM_001297.5 (MANE Select); coding-DNA position 2699, C replaced by G.
Protein change: p.Thr900Arg; replaces threonine 900 with arginine.
Molecular consequence: missense variant.
Genome position (GRCh38, 1-based): chr16:57,903,917, G>C on the plus strand (C>G on the coding strand, the complement: CNGB1 is on the minus strand). VCF-style: chr16-57903917-G-C. GRCh37 (hg19) VCF-style: chr16-57937821-G-C.
Other names: c.2681C>G, p.Thr894Arg (NM_001286130.2); short protein forms T894R, T900R.
Identifiers: ClinVar variation 3628442 (VCV003628442.3).